The following is an entry in ClinVar:

NM_000284.4(PDHA1):c.904del (p.Arg302fs)

Gene: PDHA1 (pyruvate dehydrogenase E1 subunit alpha 1; plus strand). Cytogenetic location: Xp22.12.
Variant type: Deletion.
Coding change: c.904del on transcript NM_000284.4 (MANE Select); coding-DNA position 904, one base deleted (C; older notation c.904delC).
Protein change: p.Arg302fs; shifts the reading frame from arginine 302.
Molecular consequence: frameshift variant.
Genome position (GRCh38, 1-based): chrX:19,358,920, C deleted; the last of 2 consecutive C bases (chrX:19,358,919-19,358,920); deleting either gives the same sequence. VCF-style (leftmost placement, unchanged base first): chrX-19358918-AC-A. GRCh37 (hg19) VCF-style: chrX-19377036-AC-A.
Other names: c.1018del, p.Arg340fs (NM_001173454.2); c.925del, p.Arg309fs (NM_001173455.2); c.811del, p.Arg271fs (NM_001173456.2); short protein forms R271fs, R302fs, R309fs, R340fs.
Identifiers: ClinVar variation 4292623 (VCV004292623.1).
Genomic context (GRCh38, chrX:19,358,918, plus strand): 5'-GTCCTTGCTCTACTGGAACTGCTCTTACTGATCGATTACTACTTTTCCCTCCCCATAGTT[AC>A]CGTACACGAGAAGAAATTCAGGAAGTAAGAAGTAAGAGTGACCCTATTATGCTTCTCAAG-3'

ClinVar aggregate classification (germline): Likely pathogenic (1 of 4 stars; one submission).

Conditions:
Pyruvate dehydrogenase E1-alpha deficiency (PDHAD). Also called: ATAXIA, INTERMITTENT, WITH PYRUVATE DEHYDROGENASE DEFICIENCY; ATAXIA WITH LACTIC ACIDOSIS I; ATAXIA, INTERMITTENT, WITH ABNORMAL PYRUVATE METABOLISM; Ataxia, intermittent, with pyruvate dehydrogenase, or decarboxylase, deficiency. Identifiers: Orphanet 79243, MedGen C1839413, MONDO:0010717, OMIM 312170.

Submission:

3billion
Classification: Likely pathogenic for Pyruvate dehydrogenase E1-alpha deficiency. Last evaluated: 2024-10-07. Review status: criteria provided, single submitter. Criteria: ACMG Guidelines, 2015. Collection method: clinical testing. Allele origin: germline. Affected: yes.
Comment: The variant is not observed in the gnomAD v4.1.0 dataset. Predicted Consequence/Location: Frameshift: predicted to result in a loss or disruption of normal protein function through nonsense-mediated decay (NMD) or protein truncation. Multiple pathogenic variants are reported downstream of the variant. Therefore, this variant is classified as Likely pathogenic according to the recommendation of ACMG/AMP guideline.